The following is an entry in ClinVar:

NM_012144.4(DNAI1):c.2002-5C>T

Gene: DNAI1 (dynein axonemal intermediate chain 1; plus strand). Cytogenetic location: 9p13.3.
Variant type: single nucleotide variant.
Coding change: c.2002-5C>T on transcript NM_012144.4 (MANE Select); 5 bases into the intron before coding-DNA position 2002, C replaced by T.
Molecular consequence: intron variant.
Genome position (GRCh38, 1-based): chr9:34,520,653, C>T. VCF-style: chr9-34520653-C-T. GRCh37 (hg19) VCF-style: chr9-34520651-C-T.
Other names: c.2014-5C>T (NM_001281428.2).
Identifiers: ClinVar variation 667107 (VCV000667107.9), dbSNP rs1587096958, ClinGen allele CA915947474.

ClinVar aggregate classification (germline): Likely benign. Review status: criteria provided, multiple submitters, no conflicts (2 of 4 stars). 2 submissions from 2 submitters: Likely benign (2). Last evaluated 2022-11-26.

Conditions:
Primary ciliary dyskinesia. Also called: Ciliary dyskinesia. Identifiers: Orphanet 244, MedGen C0008780, MONDO:0016575, HP:0012265.

Submissions (2):

Labcorp Genetics (formerly Invitae), Labcorp
Classification: Likely benign for Primary ciliary dyskinesia. Last evaluated: 2022-11-26. Review status: criteria provided, single submitter. Criteria: Invitae Variant Classification Sherloc (09022015). Collection method: clinical testing. Allele origin: germline.

Laboratory for Molecular Medicine, Mass General Brigham Personalized Medicine
Classification: Likely benign. Last evaluated: 2018-05-10. Review status: criteria provided, single submitter. Criteria: LMM Criteria. Collection method: clinical testing. Allele origin: germline. Observed: 1 variant allele.
Comment: The c.2002-5C>T variant is classified as likely benign because a C>T change at t his position does not diverge from the splice consensus sequence and is therefor e unlikely to impact splicing. It was absent from large population studies. ACMG /AMP Criteria applied: BP4; BP7; PM2.